The following is an entry in ClinVar:

ClinVar aggregate classification (germline): Uncertain significance. Review status: criteria provided, multiple submitters, no conflicts (2 of 4 stars). 5 submissions from 5 submitters: Uncertain significance (5). Last evaluated 2025-12-31.

Conditions:
Hereditary cancer-predisposing syndrome. Also called: Hereditary Cancer Syndrome; Neoplastic Syndromes, Hereditary; Tumor predisposition; Hereditary neoplastic syndrome. Identifiers: Orphanet 140162, MedGen C0027672, MeSH D009386, MONDO:0015356.
Familial cancer of breast. Also called: BREAST CANCER, FAMILIAL; Hereditary breast cancer; hereditary breast carcinoma. Identifiers: Orphanet 227535, MedGen C0346153, MONDO:0016419, OMIM 114480. Disease mechanism: loss of function.

Allele frequency attached by ClinVar (database versions not stated): gnomAD 0.00001; gnomAD exomes 0.00001.
gnomAD v4.1: 4 of 1,612,316 alleles (0.00025%); highest among the groups gnomAD compares: Admixed American, 0.0067%; no homozygotes.

Submissions (5):

Labcorp Genetics (formerly Invitae), Labcorp
Classification: Uncertain significance for Familial cancer of breast. Last evaluated: 2025-12-31. Review status: criteria provided, single submitter. Criteria: Invitae Variant Classification Sherloc (09022015). Collection method: clinical testing. Allele origin: germline.
Comment: This sequence change replaces glutamic acid, which is acidic and polar, with aspartic acid, which is acidic and polar, at codon 67 of the BARD1 protein (p.Glu67Asp). This variant is present in population databases (no rsID available, gnomAD 0.006%). This variant has not been reported in the literature in individuals affected with BARD1-related conditions. ClinVar contains an entry for this variant (Variation ID: 481397). An algorithm developed to predict the effect of missense changes on protein structure and function (PolyPhen-2) suggests that this variant is likely to be disruptive. In summary, the available evidence is currently insufficient to determine the role of this variant in disease. Therefore, it has been classified as a Variant of Uncertain Significance.

Center for Genomic Medicine, Rigshospitalet, Copenhagen University Hospital
Classification: Uncertain significance. Last evaluated: 2025-12-29. Review status: criteria provided, single submitter. Criteria: ACMG Guidelines, 2015. Collection method: clinical testing. Allele origin: germline.

Ambry Genetics
Classification: Uncertain significance for Hereditary cancer-predisposing syndrome. Last evaluated: 2024-12-06. Review status: criteria provided, single submitter. Criteria: Ambry Variant Classification Scheme 2023. Collection method: clinical testing. Allele origin: germline.
Comment: The p.E67D variant (also known as c.201G>C), located in coding exon 2 of the BARD1 gene, results from a G to C substitution at nucleotide position 201. The glutamic acid at codon 67 is replaced by aspartic acid, an amino acid with highly similar properties. This amino acid position is highly conserved in available vertebrate species. In addition, the in silico prediction for this alteration is inconclusive. Since supporting evidence is limited at this time, the clinical significance of this alteration remains unclear.

Color Diagnostics, LLC DBA Color Health
Classification: Uncertain significance for Hereditary cancer-predisposing syndrome. Last evaluated: 2023-12-05. Review status: criteria provided, single submitter. Criteria: ACMG Guidelines, 2015. Collection method: clinical testing. Allele origin: germline.
Comment: This missense variant replaces glutamic acid with aspartic acid at codon 67 of the BARD1 protein. Computational prediction suggests that this variant may not impact protein structure and function (internally defined REVEL score threshold <= 0.5, PMID: 27666373). To our knowledge, functional studies have not been reported for this variant. This variant has not been reported in individuals affected with BARD1-related disorders in the literature. This variant has been identified in 2/251102 chromosomes in the general population by the Genome Aggregation Database (gnomAD). The available evidence is insufficient to determine the role of this variant in disease conclusively. Therefore, this variant is classified as a Variant of Uncertain Significance.

Fulgent Genetics
Classification: Uncertain significance for Familial cancer of breast. Last evaluated: 2018-10-31. Review status: criteria provided, single submitter. Criteria: ACMG Guidelines, 2015. Collection method: clinical testing. Allele origin: unknown.

NM_000465.4(BARD1):c.201G>C (p.Glu67Asp)

Gene: BARD1 (BRCA1 associated RING domain 1; minus strand). Cytogenetic location: 2q35.
Variant type: single nucleotide variant.
Coding change: c.201G>C on transcript NM_000465.4 (MANE Select); coding-DNA position 201, G replaced by C.
Protein change: p.Glu67Asp; replaces glutamic acid 67 with aspartic acid.
Molecular consequence: missense variant. On other transcripts: non-coding transcript variant (2), intron variant (2).
Genome position (GRCh38, 1-based): chr2:214,797,075, C>G on the plus strand (G>C on the coding strand, the complement: BARD1 is on the minus strand). VCF-style: chr2-214797075-C-G. GRCh37 (hg19) VCF-style: chr2-215661799-C-G.
Other names: c.201G>C, p.Glu67Asp (NM_001282545.2, NM_001282549.2); c.158+12337G>C (NM_001282548.2); c.159-4630G>C (NM_001282543.2); short protein forms E67D.
Identifiers: ClinVar variation 481397 (VCV000481397.22), dbSNP rs1385746925, ClinGen allele CA350462184.
Genomic context (GRCh38, chr2:214,797,075, plus strand): 5'-GTAAAAAATACAGTTGTACTATATACATCAAACCGTAATTACTTACCTACAGAAGATGTG[C>G]TCACATCCTCCTAAACACACAGGCTCTCTCAGAATGTTAGTACTGTTTGAAGAAATTAAA-3'
Protein context (NP_000456.2, residues 57-77): LREPVCLGGC[Glu67Asp]HIFCSNCVSD